The following is an entry in ClinVar:

NM_022437.3(ABCG8):c.220C>G (p.Pro74Ala)

Gene: ABCG8 (ATP binding cassette subfamily G member 8; plus strand). Cytogenetic location: 2p21.
Variant type: single nucleotide variant.
Coding change: c.220C>G on transcript NM_022437.3 (MANE Select); coding-DNA position 220, C replaced by G.
Protein change: p.Pro74Ala; replaces proline 74 with alanine.
Molecular consequence: missense variant.
Genome position (GRCh38, 1-based): chr2:43,846,209, C>G. VCF-style: chr2-43846209-C-G. GRCh37 (hg19) VCF-style: chr2-44073348-C-G.
Other names: c.220C>G, p.Pro74Ala (NM_001357321.2); short protein forms P74A.
Identifiers: ClinVar variation 336065 (VCV000336065.8), dbSNP rs373610655, ClinGen allele CA1636942.

ClinVar aggregate classification (germline): Uncertain significance. Review status: criteria provided, multiple submitters, no conflicts (2 of 4 stars). 3 submissions from 3 submitters: Uncertain significance (3). Last evaluated 2025-10-10.

Conditions:
ABCG8-related disorder. Also called: ABCG8-related condition.
Sitosterolemia 1. Identifiers: MedGen C2749759, MONDO:0020747, OMIM 210250.

Allele frequency attached by ClinVar (database versions not stated): gnomAD exomes 0.00008; TOPMed 0.00008; ESP Exome Variant Server 0.00015.
gnomAD v4.1: 153 of 1,613,968 alleles (0.0095%); highest among the groups gnomAD compares: South Asian, 0.037%; no homozygotes.

Submissions (3):

PreventionGenetics, part of Exact Sciences
Classification: Uncertain significance for ABCG8-related condition. Last evaluated: 2025-10-10. Review status: criteria provided, single submitter. Criteria: ACMG Guidelines, 2015. Collection method: clinical testing. Allele origin: germline.
Comment: The ABCG8 c.220C>G variant is predicted to result in the amino acid substitution p.Pro74Ala. This variant was reported in an individual with familial hypercholesterolemia (Reeskamp et al. 2020. PubMed ID: 32088153). This variant is reported in 0.096% of alleles in individuals of Ashkenazi Jewish descent in gnomAD, which may be too frequent to be a primary cause of disease. Although we suspect that this variant may be benign, the clinical significance of this variant is currently classified as uncertain due to the absence of conclusive functional and genetic evidence.

Labcorp Genetics (formerly Invitae), Labcorp
Classification: Uncertain significance. Last evaluated: 2023-12-05. Review status: criteria provided, single submitter. Criteria: Invitae Variant Classification Sherloc (09022015). Collection method: clinical testing. Allele origin: germline.
Comment: This sequence change replaces proline, which is neutral and non-polar, with alanine, which is neutral and non-polar, at codon 74 of the ABCG8 protein (p.Pro74Ala). This variant is present in population databases (rs373610655, gnomAD 0.1%). This missense change has been observed in individual(s) with ABCG8-related conditions (PMID: 32088153). ClinVar contains an entry for this variant (Variation ID: 336065). An algorithm developed to predict the effect of missense changes on protein structure and function (PolyPhen-2) suggests that this variant is likely to be disruptive. In summary, the available evidence is currently insufficient to determine the role of this variant in disease. Therefore, it has been classified as a Variant of Uncertain Significance.

Illumina Laboratory Services, Illumina
Classification: Uncertain significance for Sitosterolemia 1. Last evaluated: 2018-01-12. Review status: criteria provided, single submitter. Criteria: ICSL Variant Classification Criteria 13 December 2019. Collection method: clinical testing. Allele origin: germline.

Literature cited by the submitters: PubMed 32088153 (cited by Labcorp Genetics (formerly Invitae), Labcorp).